The following is an entry in ClinVar:

NM_001283009.2(RTEL1):c.2588C>T (p.Ser863Phe)

Genes: RTEL1-TNFRSF6B (RTEL1-TNFRSF6B readthrough (NMD candidate); plus strand), RTEL1 (regulator of telomere elongation helicase 1; plus strand). Cytogenetic location: 20q13.33.
Variant type: single nucleotide variant.
Coding change: c.2588C>T on transcript NM_001283009.2 (MANE Select); coding-DNA position 2588, C replaced by T.
Protein change: p.Ser863Phe; replaces serine 863 with phenylalanine.
Molecular consequence: missense variant. On other transcripts: non-coding transcript variant (1).
Genome position (GRCh38, 1-based): chr20:63,691,773, C>T. VCF-style: chr20-63691773-C-T. GRCh37 (hg19) VCF-style: chr20-62323126-C-T.
Other names: c.2588C>T (NM_001283009.1); c.1919C>T, p.Ser640Phe (NM_001283010.1); c.2588C>T, p.Ser863Phe (NM_016434.4); c.2660C>T, p.Ser887Phe (NM_032957.5); short protein forms S640F, S863F, S887F.
Identifiers: ClinVar variation 1017995 (VCV001017995.11), dbSNP rs1029017182, ClinGen allele CA317518514.
Genomic context (GRCh38, chr20:63,691,773, plus strand): 5'-TGTGTGGTTGTGAGCTGTGTCCTCCTCAGGCCCACAGCTGCTCCACCCTGTCCCTCCTGT[C>T]TGAGAAGAGGCCGGCAGAAGAACCGCGAGGAGGGAGGAAGAAGATCCGGCTGGTCAGCCA-3'
Protein context (NP_001269938.1, residues 853-873): AHSCSTLSLL[Ser863Phe]EKRPAEEPRG

ClinVar aggregate classification (germline): Uncertain significance. Review status: criteria provided, multiple submitters, no conflicts (2 of 4 stars). 4 submissions from 4 submitters: Uncertain significance (3). 1 of the submissions does not count toward it. Last evaluated 2025-08-18.

Conditions:
Pulmonary fibrosis and/or bone marrow failure, Telomere-related, 3. Also called: PULMONARY FIBROSIS AND/OR BONE MARROW FAILURE SYNDROME, TELOMERE-RELATED, 3. Identifiers: Orphanet 2032, MedGen C4225346, MONDO:0014613, OMIM 616373.
Dyskeratosis congenita, autosomal recessive 5 (DKCB5). Identifiers: MedGen C3554656, MONDO:0014076, OMIM 615190.
Inborn genetic diseases. Identifiers: MedGen C0950123, MeSH D030342.
Dyskeratosis congenita. Identifiers: Orphanet 1775, MedGen C0265965, MONDO:0015780.

Allele frequency attached by ClinVar (database versions not stated): TOPMed below 0.00001; gnomAD exomes 0.00001.

Submissions (4):

Labcorp Genetics (formerly Invitae), Labcorp
Classification: Uncertain significance for Dyskeratosis congenita, autosomal recessive 5; Pulmonary fibrosis and/or bone marrow failure, Telomere-related, 3. Last evaluated: 2025-08-18. Review status: criteria provided, single submitter. Criteria: Invitae Variant Classification Sherloc (09022015). Collection method: clinical testing. Allele origin: germline.
Comment: This sequence change replaces serine, which is neutral and polar, with phenylalanine, which is neutral and non-polar, at codon 863 of the RTEL1 protein (p.Ser863Phe). This variant is not present in population databases (gnomAD no frequency). This variant has not been reported in the literature in individuals affected with RTEL1-related conditions. ClinVar contains an entry for this variant (Variation ID: 1017995). An algorithm developed to predict the effect of missense changes on protein structure and function (PolyPhen-2) suggests that this variant is likely to be tolerated. In summary, the available evidence is currently insufficient to determine the role of this variant in disease. Therefore, it has been classified as a Variant of Uncertain Significance.

Ambry Genetics
Classification: Uncertain significance for Inborn genetic diseases. Last evaluated: 2024-11-28. Review status: criteria provided, single submitter. Criteria: Ambry Variant Classification Scheme 2023. Collection method: clinical testing. Allele origin: germline.
Comment: The p.S863F variant (also known as c.2588C>T), located in coding exon 27 of the RTEL1 gene, results from a C to T substitution at nucleotide position 2588. The serine at codon 863 is replaced by phenylalanine, an amino acid with highly dissimilar properties. This amino acid position is conserved. In addition, this alteration is predicted to be tolerated by in silico analysis. Based on the available evidence, the clinical significance of this variant remains unclear.

Sema4
Classification: Uncertain significance for Dyskeratosis congenita. Last evaluated: 2021-08-10. Review status: criteria provided, single submitter. Criteria: Sema4 Curation Guidelines. Collection method: curation. Allele origin: germline.
Comment: The RTEL1 c.2588C>T (p.S863F) variant has not been reported in the literature to our knowledge. It was not observed in the large and broad cohorts of the Genome Aggregation Database (PMID: 32461654). The variant has been reported in ClinVar (Variation ID 1017995). In silico tools suggest the impact of the variant on protein function is benign, though these predictions have not been confirmed by functional studies. The evidence is insufficient to meet ACMG/AMP criteria for classifying the variant as benign or pathogenic. Thus, the clinical significance of this variant is currently uncertain.

Natera, Inc.
Classification: Uncertain significance for Dyskeratosis congenita. Last evaluated: 2020-04-23. Review status: no assertion criteria provided. Collection method: clinical testing. Allele origin: germline. Not counted in ClinVar's aggregate classification.